The following is an entry in ClinVar:

ClinVar aggregate classification (germline): Likely pathogenic (1 of 4 stars; one submission).

Conditions:
Dyskeratosis congenita. Identifiers: Orphanet 1775, MedGen C0265965, MONDO:0015780.

Submission:

Natera, Inc.
Classification: Likely pathogenic for Dyskeratosis congenita. Last evaluated: 2024-10-16. Review status: criteria provided, single submitter. Criteria: Natera Variant Classification Schema (03/2026). Collection method: clinical testing. Allele origin: germline.
Comment: The c.2860_2861del variant in RTEL1 is a frameshift variant predicted to shift the reading frame beginning at codon 954 and leads to a stop codon 11 codons downstream. This variant is expected to result in nonsense mediated decay, truncation, or a dysfunctional protein product. This variant is rare in the general population with a frequency below the threshold expected for the associated phenotype(s). Given the available evidence, this variant is classified as Likely Pathogenic.

NM_001283009.2(RTEL1):c.2788_2789del (p.Ala930fs)

Genes: RTEL1 (regulator of telomere elongation helicase 1; plus strand), RTEL1-TNFRSF6B (RTEL1-TNFRSF6B readthrough (NMD candidate); plus strand). Cytogenetic location: 20q13.33.
Variant type: Deletion.
Coding change: c.2788_2789del on transcript NM_001283009.2 (MANE Select); coding-DNA positions 2788 to 2789, 2 bases deleted (GC; older notation c.2788_2789delGC).
Protein change: p.Ala930fs; shifts the reading frame from alanine 930.
Molecular consequence: frameshift variant. On other transcripts: non-coding transcript variant (1).
Genome position (GRCh38, 1-based): chr20:63,692,940-63,692,941, GC deleted; deleting any 2 consecutive bases within chr20:63,692,939-63,692,941 gives the same sequence; the c. name uses the placement nearest the transcript's 3' end. VCF-style (leftmost placement, unchanged base first): chr20-63692938-CCG-C. GRCh37 (hg19) VCF-style: chr20-62324291-CCG-C.
Other names: c.2119_2120del, p.Ala707fs (NM_001283010.1); c.2788_2789del, p.Ala930fs (NM_016434.4); c.2860_2861del, p.Ala954fs (NM_032957.5); short protein forms A707fs, A930fs, A954fs.
Identifiers: ClinVar variation 4816349 (VCV004816349.1).